The following is an entry in ClinVar:

ClinVar aggregate classification (germline): Uncertain significance (1 of 4 stars; one submission).

Allele frequency attached by ClinVar (database versions not stated): gnomAD exomes below 0.00001 and 0.00001; TOPMed below 0.00001; gnomAD 0.00001.
gnomAD v4.1: 3 of 1,613,850 alleles (0.00019%); highest among the groups gnomAD compares: East Asian, 0.0022%; no homozygotes.

Submission:

Labcorp Genetics (formerly Invitae), Labcorp
Classification: Uncertain significance. Last evaluated: 2021-10-02. Review status: criteria provided, single submitter. Criteria: Invitae Variant Classification Sherloc (09022015). Collection method: clinical testing. Allele origin: germline.
Comment: This sequence change replaces cysteine with arginine at codon 922 of the ADAMTSL4 protein (p.Cys922Arg). The cysteine residue is highly conserved and there is a large physicochemical difference between cysteine and arginine. This variant is not present in population databases (ExAC no frequency). This variant has not been reported in the literature in individuals affected with ADAMTSL4-related conditions. Algorithms developed to predict the effect of missense changes on protein structure and function (SIFT, PolyPhen-2, Align-GVGD) all suggest that this variant is likely to be disruptive. In summary, the available evidence is currently insufficient to determine the role of this variant in disease. Therefore, it has been classified as a Variant of Uncertain Significance.

NM_019032.6(ADAMTSL4):c.2764T>C (p.Cys922Arg)

Gene: ADAMTSL4 (ADAMTS like 4; plus strand). Cytogenetic location: 1q21.2.
Variant type: single nucleotide variant.
Coding change: c.2764T>C on transcript NM_019032.6 (MANE Select); coding-DNA position 2764, T replaced by C.
Protein change: p.Cys922Arg; replaces cysteine 922 with arginine.
Molecular consequence: missense variant.
Genome position (GRCh38, 1-based): chr1:150,559,287, T>C. VCF-style: chr1-150559287-T-C. GRCh37 (hg19) VCF-style: chr1-150531763-T-C.
Other names: c.2647T>C, p.Cys883Arg (NM_001288607.2); c.2833T>C, p.Cys945Arg (NM_001288608.2); c.2764T>C, p.Cys922Arg (NM_001378596.1); short protein forms C945R, C883R, C922R.
Identifiers: ClinVar variation 1462296 (VCV001462296.3), dbSNP rs1266753711, ClinGen allele CA342316851.
Genomic context (GRCh38, chr1:150,559,287, plus strand): 5'-GCACTTGGGGTGCTCTCTGTCCTCCCCTCCCCTCATCACCCTGCCCTCCCCCTACACTAG[T>C]GCTCCTCCGAATGTGGCTCTGGCACACAGCGTAGAGACATCATCTGTGTATCCAAACTGG-3'
Protein context (NP_061905.2, residues 912-932): WRWYTGPWGE[Cys922Arg]SSECGSGTQR